The following is an entry in ClinVar:

NM_000038.6(APC):c.6250C>G (p.Gln2084Glu)

Gene: APC (APC regulator of Wnt signaling pathway; plus strand). Cytogenetic location: 5q22.2.
Variant type: single nucleotide variant.
Coding change: c.6250C>G on transcript NM_000038.6 (MANE Select); coding-DNA position 6250, C replaced by G.
Protein change: p.Gln2084Glu; replaces glutamine 2084 with glutamic acid.
Molecular consequence: missense variant.
Genome position (GRCh38, 1-based): chr5:112,841,844, C>G. VCF-style: chr5-112841844-C-G. GRCh37 (hg19) VCF-style: chr5-112177541-C-G.
Other names: c.6250C>G, p.Gln2084Glu (NM_001127510.3, NM_001354895.2); c.6196C>G, p.Gln2066Glu (NM_001127511.3); c.6304C>G, p.Gln2102Glu (NM_001354896.2); c.6280C>G, p.Gln2094Glu (NM_001354897.2); c.6175C>G, p.Gln2059Glu (NM_001354898.2); c.6166C>G, p.Gln2056Glu (NM_001354899.2); c.6127C>G, p.Gln2043Glu (NM_001354900.2); c.6073C>G, p.Gln2025Glu (NM_001354901.2); and 5 more; short protein forms Q1924E, Q1958E, Q1983E, Q2059E, Q1993E, Q2056E, Q2066E, Q2084E.
Identifiers: ClinVar variation 649914 (VCV000649914.10), dbSNP rs1580669077, ClinGen allele CA16035019.

ClinVar aggregate classification (germline): Uncertain significance (1 of 4 stars; one submission).

Conditions:
Familial adenomatous polyposis 1 (FAP1). Also called: FAMILIAL ADENOMATOUS POLYPOSIS 1, ATTENUATED; POLYPOSIS, ADENOMATOUS INTESTINAL. Identifiers: MedGen C2713442, MONDO:0021056, OMIM 175100. Disease mechanism: loss of function.

Submission:

Labcorp Genetics (formerly Invitae), Labcorp
Classification: Uncertain significance for Familial adenomatous polyposis 1. Last evaluated: 2018-12-03. Review status: criteria provided, single submitter. Criteria: Invitae Variant Classification Sherloc (09022015). Collection method: clinical testing. Allele origin: germline.
Comment: In summary, the available evidence is currently insufficient to determine the role of this variant in disease. Therefore, it has been classified as a Variant of Uncertain Significance. This sequence change replaces glutamine with glutamic acid at codon 2084 of the APC protein (p.Gln2084Glu). The glutamine residue is highly conserved and there is a small physicochemical difference between glutamine and glutamic acid. This variant is not present in population databases (ExAC no frequency). This variant has not been reported in the literature in individuals with APC-related conditions. Algorithms developed to predict the effect of missense changes on protein structure and function output the following: SIFT: "Deleterious"; PolyPhen-2: "Benign"; Align-GVGD: "Class C0". The glutamic acid amino acid residue is found in multiple mammalian species, suggesting that this missense change does not adversely affect protein function. These predictions have not been confirmed by published functional studies and their clinical significance is uncertain.